The following is an entry in ClinVar:

ClinVar aggregate classification (germline): Uncertain significance (1 of 4 stars; one submission).

Conditions:
Intellectual developmental disorder, autosomal dominant 1. Also called: Intellectual disability, autosomal dominant 1; MBD5 Haploinsufficiency. Identifiers: Orphanet 228402, MedGen C1969562, MONDO:0007974, OMIM 156200.

Submission:

Labcorp Genetics (formerly Invitae), Labcorp
Classification: Uncertain significance for Intellectual developmental disorder, autosomal dominant 1. Last evaluated: 2023-11-07. Review status: criteria provided, single submitter. Criteria: Invitae Variant Classification Sherloc (09022015). Collection method: clinical testing. Allele origin: germline.
Comment: This sequence change replaces leucine, which is neutral and non-polar, with phenylalanine, which is neutral and non-polar, at codon 566 of the MBD5 protein (p.Leu566Phe). This variant is not present in population databases (gnomAD no frequency). This variant has not been reported in the literature in individuals affected with MBD5-related conditions. Advanced modeling of protein sequence and biophysical properties (such as structural, functional, and spatial information, amino acid conservation, physicochemical variation, residue mobility, and thermodynamic stability) performed at Invitae indicates that this missense variant is not expected to disrupt MBD5 protein function with a negative predictive value of 80%. In summary, the available evidence is currently insufficient to determine the role of this variant in disease. Therefore, it has been classified as a Variant of Uncertain Significance.

NM_001378120.1(MBD5):c.1698G>C (p.Leu566Phe)

Gene: MBD5 (methyl-CpG binding domain protein 5; plus strand). Cytogenetic location: 2q23.1.
Variant type: single nucleotide variant.
Coding change: c.1698G>C on transcript NM_001378120.1 (MANE Select); coding-DNA position 1698, G replaced by C.
Protein change: p.Leu566Phe; replaces leucine 566 with phenylalanine.
Molecular consequence: missense variant.
Genome position (GRCh38, 1-based): chr2:148,469,641, G>C. VCF-style: chr2-148469641-G-C. GRCh37 (hg19) VCF-style: chr2-149227210-G-C.
Other names: c.1698G>C, p.Leu566Phe (NM_018328.5); short protein forms L566F.
Identifiers: ClinVar variation 2693962 (VCV002693962.3), dbSNP rs2469868286, ClinGen allele CA348720242.
Genomic context (GRCh38, chr2:148,469,641, plus strand): 5'-CGGAAGTAGTTCTGTAAAGAGTCAGCCTGGTTTGCTGGGAATGCCTTTAAATCAGATCTT[G>C]AACCAGCACAATGCTGCCTCCTTTCCAGCAAGTAGTTTACTCTCAGCAGCAGCCAAAGCA-3'
Protein context (NP_001365049.1, residues 556-576): GLLGMPLNQI[Leu566Phe]NQHNAASFPA